The following is an entry in ClinVar:

NM_001243226.3(TCF4):c.287-1404G>A

Gene: TCF4 (transcription factor 4; minus strand). Cytogenetic location: 18q21.2.
Variant type: single nucleotide variant.
Coding change: c.287-1404G>A on transcript NM_001243226.3; 1404 bases into the intron before coding-DNA position 287, G replaced by A.
Molecular consequence: intron variant. On other transcripts: 5 prime UTR variant (4).
Genome position (GRCh38, 1-based): chr18:55,588,540, C>T on the plus strand (G>A on the coding strand, the complement: TCF4 is on the minus strand). VCF-style: chr18-55588540-C-T. GRCh37 (hg19) VCF-style: chr18-53255771-C-T.
Other names: c.-5G>A (NM_001243230.2); c.-91G>A (NM_001369568.1, NM_001369569.1, NM_001369572.1); c.-1+757G>A (NM_001369584.1, NM_001369576.1, NM_001369577.1 and 3 more transcripts); c.-21+757G>A (NM_001369571.1, NM_001369567.1, NM_001243228.2).
Identifiers: ClinVar variation 3045182 (VCV003045182.2), dbSNP rs537069594, ClinGen allele CA301182194.

ClinVar aggregate classification (germline): Likely benign (0 of 4 stars; one submission).

Conditions:
TCF4-related disorder. Also called: TCF4-related condition.

Allele frequency attached by ClinVar (database versions not stated): TOPMed 0.00008; gnomAD 0.00009; gnomAD exomes 0.00014.
gnomAD v4.1: 208 of 1,530,672 alleles (0.014%); highest among the groups gnomAD compares: Non-Finnish European, 0.017%; no homozygotes.

Submission:

PreventionGenetics, part of Exact Sciences
Classification: Likely benign for TCF4-related condition. Last evaluated: 2019-11-20. Review status: no assertion criteria provided. Collection method: clinical testing. Allele origin: germline.
Comment: This variant is classified as likely benign based on ACMG/AMP sequence variant interpretation guidelines (Richards et al. 2015 PMID: 25741868, with internal and published modifications).